The following is an entry in ClinVar:

ClinVar aggregate classification (germline): Conflicting classifications of pathogenicity. Review status: criteria provided, conflicting classifications (1 of 4 stars). 3 submissions from 3 submitters: Uncertain significance (1); Likely benign (1). 1 of the submissions does not count toward it. Last evaluated 2026-01-28.

Conditions:
FRAS1-related disorder. Also called: FRAS1-related condition.
Fraser syndrome 1 (FRASRS1). Also called: CRYPTOPHTHALMOS WITH OTHER MALFORMATIONS. Identifiers: Orphanet 2052, MedGen C4551480, MONDO:0054737, OMIM 219000.

Allele frequency attached by ClinVar (database versions not stated): ESP Exome Variant Server 0.00008; TOPMed 0.00016; gnomAD 0.00019; 1000 Genomes Project 0.00040; 1000 Genomes Project 30x 0.00047.
gnomAD v4.1: 233 of 1,613,736 alleles (0.014%); highest among the groups gnomAD compares: Middle Eastern, 0.033%; no homozygotes.

Submissions (3):

Labcorp Genetics (formerly Invitae), Labcorp
Classification: Likely benign. Last evaluated: 2026-01-28. Review status: criteria provided, single submitter. Criteria: Invitae Variant Classification Sherloc (09022015). Collection method: clinical testing. Allele origin: germline.

Illumina Laboratory Services, Illumina
Classification: Uncertain significance for Fraser syndrome 1. Last evaluated: 2018-01-12. Review status: criteria provided, single submitter. Criteria: ICSL Variant Classification Criteria 13 December 2019. Collection method: clinical testing. Allele origin: germline.

PreventionGenetics, part of Exact Sciences
Classification: Likely benign for FRAS1-related condition. Last evaluated: 2023-03-14. Review status: no assertion criteria provided. Collection method: clinical testing. Allele origin: germline. Not counted in ClinVar's aggregate classification.
Comment: This variant is classified as likely benign based on ACMG/AMP sequence variant interpretation guidelines (Richards et al. 2015 PMID: 25741868, with internal and published modifications).

NM_025074.7(FRAS1):c.8985C>T (p.His2995=)

Gene: FRAS1 (Fraser extracellular matrix complex subunit 1; plus strand). Cytogenetic location: 4q21.21.
Variant type: single nucleotide variant.
Coding change: c.8985C>T on transcript NM_025074.7 (MANE Select); coding-DNA position 8985, C replaced by T.
Protein change: p.His2995=; no amino-acid change (histidine 2995 retained).
Molecular consequence: synonymous variant.
Genome position (GRCh38, 1-based): chr4:78,496,831, C>T. VCF-style: chr4-78496831-C-T. GRCh37 (hg19) VCF-style: chr4-79417985-C-T.
Identifiers: ClinVar variation 349779 (VCV000349779.15), dbSNP rs201241555, ClinGen allele CA2978550.